The following is an entry in ClinVar:

ClinVar aggregate classification (germline): Uncertain significance (1 of 4 stars; one submission).

Submission:

GeneDx
Classification: Uncertain significance. Last evaluated: 2025-09-30. Review status: criteria provided, single submitter. Criteria: GeneDx Variant Classification Process June 2021. Collection method: clinical testing. Allele origin: germline. Affected: yes.
Comment: Not observed at significant frequency in large population cohorts (gnomAD); Frameshift variant predicted to result in protein truncation or nonsense mediated decay in a gene or region of a gene for which loss of function is not a well-established mechanism of disease; Has not been previously published as pathogenic or benign to our knowledge

NM_015978.3(TNNI3K):c.1154del (p.Cys385fs)

Genes: FPGT-TNNI3K (FPGT-TNNI3K readthrough; plus strand), TNNI3K (TNNI3 interacting kinase; plus strand). Cytogenetic location: 1p31.1.
Variant type: Deletion.
Coding change: c.1154del on transcript NM_015978.3 (MANE Select); coding-DNA position 1154, one base deleted (G; older notation c.1154delG).
Protein change: p.Cys385fs; shifts the reading frame from cysteine 385.
Molecular consequence: frameshift variant.
Genome position (GRCh38, 1-based): chr1:74,354,106, G deleted. VCF-style (leftmost placement, unchanged base first): chr1-74354105-TG-T. GRCh37 (hg19) VCF-style: chr1-74819789-TG-T.
Other names: c.1457del, p.Cys486fs (NM_001112808.3, NM_001199327.2); short protein forms C385fs, C486fs.
Identifiers: ClinVar variation 4819513 (VCV004819513.1).